The following is an entry in ClinVar:

ClinVar aggregate classification (germline): Uncertain significance (1 of 4 stars; one submission).

Conditions:
Developmental and epileptic encephalopathy, 36 (DEE36). Also called: Congenital disorder of glycosylation, type Is; Epileptic encephalopathy, early infantile, 36; ALG13-CDG. Identifiers: Orphanet 324422, MedGen C4317295, MONDO:0010472, OMIM 300884.

Allele frequency attached by ClinVar (database versions not stated): TOPMed 0.00001.

Submission:

Labcorp Genetics (formerly Invitae), Labcorp
Classification: Uncertain significance for Developmental and epileptic encephalopathy, 36. Last evaluated: 2022-07-19. Review status: criteria provided, single submitter. Criteria: Invitae Variant Classification Sherloc (09022015). Collection method: clinical testing. Allele origin: germline.
Comment: This variant is not present in population databases (gnomAD no frequency). In summary, the available evidence is currently insufficient to determine the role of this variant in disease. Therefore, it has been classified as a Variant of Uncertain Significance. Algorithms developed to predict the effect of missense changes on protein structure and function output the following: SIFT: "Tolerated"; PolyPhen-2: "Benign"; Align-GVGD: "Class C0". The serine amino acid residue is found in multiple mammalian species, which suggests that this missense change does not adversely affect protein function. ClinVar contains an entry for this variant (Variation ID: 1382339). This variant has not been reported in the literature in individuals affected with ALG13-related conditions. This sequence change replaces glycine, which is neutral and non-polar, with serine, which is neutral and polar, at codon 422 of the ALG13 protein (p.Gly422Ser).

NM_001099922.3(ALG13):c.1264G>A (p.Gly422Ser)

Gene: ALG13 (ALG13 UDP-N-acetylglucosaminyltransferase subunit; plus strand). Cytogenetic location: Xq23.
Variant type: single nucleotide variant.
Coding change: c.1264G>A on transcript NM_001099922.3 (MANE Select); coding-DNA position 1264, G replaced by A.
Protein change: p.Gly422Ser; replaces glycine 422 with serine.
Molecular consequence: missense variant. On other transcripts: non-coding transcript variant (1).
Genome position (GRCh38, 1-based): chrX:111,720,108, G>A. VCF-style: chrX-111720108-G-A. GRCh37 (hg19) VCF-style: chrX-110963336-G-A.
Other names: c.952G>A, p.Gly318Ser (NM_001257230.2, NM_001257234.2, NM_001257237.2 and 1 more transcripts); c.1030G>A, p.Gly344Ser (NM_001257231.2); c.1264G>A, p.Gly422Ser (NM_001324292.2); short protein forms G318S, G344S, G422S.
Identifiers: ClinVar variation 1382339 (VCV001382339.6), dbSNP rs990346795, ClinGen allele CA334444041.